The following is an entry in ClinVar:

ClinVar aggregate classification (germline): Uncertain significance (1 of 4 stars; one submission).

gnomAD v4.1: 4 of 1,210,971 alleles (0.00033%); highest among the groups gnomAD compares: Non-Finnish European, 0.00045%; no homozygotes.

Submission:

GeneDx
Classification: Uncertain significance. Last evaluated: 2025-06-05. Review status: criteria provided, single submitter. Criteria: GeneDx Variant Classification Process June 2021. Collection method: clinical testing. Allele origin: germline. Affected: yes.
Comment: Not observed at significant frequency in large population cohorts (gnomAD); In silico analysis supports that this missense variant has a deleterious effect on protein structure/function; Has not been previously published as pathogenic or benign to our knowledge; This variant is associated with the following publications: (PMID: 39766868)

NM_181332.3(NLGN4X):c.241C>G (p.Pro81Ala)

Gene: NLGN4X (neuroligin 4 X-linked; minus strand). Cytogenetic location: Xp22.31.
Variant type: single nucleotide variant.
Coding change: c.241C>G on transcript NM_181332.3 (MANE Select); coding-DNA position 241, C replaced by G.
Protein change: p.Pro81Ala; replaces proline 81 with alanine.
Molecular consequence: missense variant.
Genome position (GRCh38, 1-based): chrX:6,151,226, G>C on the plus strand (C>G on the coding strand, the complement: NLGN4X is on the minus strand). VCF-style: chrX-6151226-G-C. GRCh37 (hg19) VCF-style: chrX-6069267-G-C.
Other names: c.241C>G, p.Pro81Ala (NM_001282145.2, NM_001282146.2, NM_020742.4); short protein forms P81A.
Identifiers: ClinVar variation 2579306 (VCV002579306.2), dbSNP rs1245032090, ClinGen allele CA412015165.